The following is an entry in ClinVar:

ClinVar aggregate classification (germline): Uncertain significance. Review status: criteria provided, multiple submitters, no conflicts (2 of 4 stars). 2 submissions from 2 submitters: Uncertain significance (2). Last evaluated 2025-05-07.

Conditions:
Platelet-activating factor acetylhydrolase deficiency (PAFAD). Identifiers: MedGen C3280315, MONDO:0013663, OMIM 614278, HP:0040175.
PLA2G7-related disorder. Also called: PLA2G7-related condition.

gnomAD v4.1: 148 of 1,607,582 alleles (0.0092%); highest among the groups gnomAD compares: East Asian, 0.28%; 1 homozygote.

Submissions (2):

PreventionGenetics, part of Exact Sciences
Classification: Uncertain significance for PLA2G7-related condition. Last evaluated: 2025-05-07. Review status: criteria provided, single submitter. Criteria: ACMG Guidelines, 2015. Collection method: clinical testing. Allele origin: germline.
Comment: The PLA2G7 c.950T>A variant is predicted to result in the amino acid substitution p.Ile317Asn. This variant has been reported in association with platelet-activating factor acetylhydrolase deficiency, due to impaired production and secretion of the enzyme (Ishihara et al, 2004. PubMed ID: 15148590). However, the role of this deficiency in lipid-driven inflammatory responses and atherosclerotic cardiovascular phenotypes remains to be established (Ishihara et al, 2004. PubMed ID: 15148590; Yeo et al. 2017. PubMed ID: 28753643; Rosenson and Stafforini. 2012. PubMed ID: 22665167). This variant is reported in 0.34% of alleles in individuals of East Asian descent in gnomAD. Although we suspect that this variant may be pathogenic, its clinical significance remains uncertain due to the absence of conclusive functional and genetic evidence.

Juno Genomics, Hangzhou Juno Genomics, Inc
Classification: Uncertain significance for Platelet-activating factor acetylhydrolase deficiency. Review status: criteria provided, single submitter. Criteria: ACMG Guidelines, 2015. Collection method: clinical testing. Allele origin: germline.
Comment: Absent from controls (or at extremely low frequency if recessive) in Genome Aggregation Database.;Well-established in vitro or in vivo functional studies supportive of a damaging effect on the gene or gene product.

NM_005084.4(PLA2G7):c.950T>A (p.Ile317Asn)

Gene: PLA2G7 (phospholipase A2 group VII; minus strand). Cytogenetic location: 6p12.3.
Variant type: single nucleotide variant.
Coding change: c.950T>A on transcript NM_005084.4 (MANE Select); coding-DNA position 950, T replaced by A.
Protein change: p.Ile317Asn; replaces isoleucine 317 with asparagine.
Molecular consequence: missense variant.
Genome position (GRCh38, 1-based): chr6:46,708,081, A>T on the plus strand (T>A on the coding strand, the complement: PLA2G7 is on the minus strand). VCF-style: chr6-46708081-A-T. GRCh37 (hg19) VCF-style: chr6-46675818-A-T.
Other names: c.950T>A, p.Ile317Asn (NM_001168357.2); short protein forms I317N.
Identifiers: ClinVar variation 4986042 (VCV004986042.2).